The following is an entry in ClinVar:

NM_001378183.1(PIEZO2):c.1373C>G (p.Ser458Cys)

Gene: PIEZO2 (piezo type mechanosensitive ion channel component 2; minus strand). Cytogenetic location: 18p11.22.
Variant type: single nucleotide variant.
Coding change: c.1373C>G on transcript NM_001378183.1 (MANE Select); coding-DNA position 1373, C replaced by G.
Protein change: p.Ser458Cys; replaces serine 458 with cysteine.
Molecular consequence: missense variant.
Genome position (GRCh38, 1-based): chr18:10,800,342, G>C on the plus strand (C>G on the coding strand, the complement: PIEZO2 is on the minus strand). VCF-style: chr18-10800342-G-C. GRCh37 (hg19) VCF-style: chr18-10800340-G-C.
Other names: c.1373C>G, p.Ser458Cys (NM_001410871.1, NM_022068.4); c.1373C>G (NM_022068.3); short protein forms S458C.
Identifiers: ClinVar variation 2211856 (VCV002211856.3), dbSNP rs778003564, ClinGen allele CA8892741.
Genomic context (GRCh38, chr18:10,800,342, plus strand): 5'-GCCAAGCTTCTAAATGAGGAAGAAATGCGACCCTGAGTGCAGGGCTGGCTCCTACCTGAG[G>C]ATTCATCAGAGGGCTCCCACCGGTACTGAGGGGTGGAGTAGAGGTCGGCTTTGCCAGGGC-3'
Protein context (NP_001365112.1, residues 448-468): PQYRWEPSDE[Ser458Cys]SEKREEEEEE

ClinVar aggregate classification (germline): Uncertain significance. Review status: criteria provided, multiple submitters, no conflicts (2 of 4 stars). 2 submissions from 2 submitters: Uncertain significance (2). Last evaluated 2023-08-14.

Conditions:
Inborn genetic diseases. Identifiers: MedGen C0950123, MeSH D030342.

Allele frequency attached by ClinVar (database versions not stated): ExAC 0.00010.
gnomAD v4.1: 56 of 1,534,560 alleles (0.0036%); highest among the groups gnomAD compares: Non-Finnish European, 0.0045%; no homozygotes.

Submissions (2):

Women's Health and Genetics/Laboratory Corporation of America, LabCorp
Classification: Uncertain significance. Last evaluated: 2023-08-14. Review status: criteria provided, single submitter. Criteria: LabCorp Variant Classification Summary - May 2015. Collection method: clinical testing. Allele origin: germline.
Comment: Variant summary: FAM38B (also known as PIEZO2) c.1373C>G (p.Ser458Cys) results in a non-conservative amino acid change in the encoded protein sequence. Three of four in-silico tools predict a benign effect of the variant on protein function. The variant allele was found at a frequency of 2.9e-05 in 173324 control chromosomes (gnomAD). The available data on variant occurrences in the general population are insufficient to allow any conclusion about variant significance. To our knowledge, no occurrence of c.1373C>G in individuals affected with FAM38B-Related Disorders and no experimental evidence demonstrating its impact on protein function have been reported. One submitter has cited clinical-significance assessments for this variant to ClinVar after 2014 and has classified the variant as uncertain significance. Based on the evidence outlined above, the variant was classified as uncertain significance.

Ambry Genetics
Classification: Uncertain significance for Inborn genetic diseases. Last evaluated: 2021-12-06. Review status: criteria provided, single submitter. Criteria: Ambry Variant Classification Scheme 2023. Collection method: clinical testing. Allele origin: germline.